The following is an entry in ClinVar:

ClinVar aggregate classification (germline): Benign (0 of 4 stars; one submission).

Conditions:
EFCAB13-related disorder. Also called: EFCAB13-related condition.

Allele frequency attached by ClinVar (database versions not stated): ESP Exome Variant Server 0.01540; gnomAD 0.02212; 1000 Genomes Project 30x 0.05340; 1000 Genomes Project 0.05631.
gnomAD v4.1: 33,947 of 1,573,628 alleles (2.2%); highest among the groups gnomAD compares: East Asian, 17%; 1,034 homozygotes.

Submissions 1 to 32 of 44:

PreventionGenetics, part of Exact Sciences
Classification: Benign for EFCAB13-related condition. Last evaluated: 2019-09-30. Review status: no assertion criteria provided. Collection method: clinical testing. Allele origin: germline.
Comment: This variant is classified as benign based on ACMG/AMP sequence variant interpretation guidelines (Richards et al. 2015 PMID: 25741868, with internal and published modifications).

Dr. Peter K. Rogan Lab, Western University
No classification provided (evidence only). Condition: Lung cancer. Review status: no classification provided. Collection method: in vitro. Allele origin: not applicable. Functional consequence: skipped exon, retained intron. Not counted in ClinVar's aggregate classification.

Dr. Peter K. Rogan Lab, Western University
No classification provided (evidence only). Condition: Lung cancer. Review status: no classification provided. Collection method: in vitro. Allele origin: not applicable. Functional consequence: skipped exon. Not counted in ClinVar's aggregate classification.

Dr. Peter K. Rogan Lab, Western University
No classification provided (evidence only). Condition: Lung cancer. Review status: no classification provided. Collection method: in vitro. Allele origin: not applicable. Functional consequence: retained intron. Not counted in ClinVar's aggregate classification.

Dr. Peter K. Rogan Lab, Western University
No classification provided (evidence only). Condition: Melanoma. Review status: no classification provided. Collection method: in vitro. Allele origin: not applicable. Functional consequence: retained intron. Not counted in ClinVar's aggregate classification.

Dr. Peter K. Rogan Lab, Western University
No classification provided (evidence only). Condition: Melanoma. Review status: no classification provided. Collection method: in vitro. Allele origin: not applicable. Functional consequence: retained intron. Not counted in ClinVar's aggregate classification.

Dr. Peter K. Rogan Lab, Western University
No classification provided (evidence only). Condition: Acute myeloid leukemia. Review status: no classification provided. Collection method: in vitro. Allele origin: not applicable. Functional consequence: retained intron. Not counted in ClinVar's aggregate classification.

Dr. Peter K. Rogan Lab, Western University
No classification provided (evidence only). Condition: Acute myeloid leukemia. Review status: no classification provided. Collection method: in vitro. Allele origin: not applicable. Functional consequence: retained intron. Not counted in ClinVar's aggregate classification.

Dr. Peter K. Rogan Lab, Western University
No classification provided (evidence only). Condition: Acute myeloid leukemia. Review status: no classification provided. Collection method: in vitro. Allele origin: not applicable. Functional consequence: retained intron. Not counted in ClinVar's aggregate classification.

Dr. Peter K. Rogan Lab, Western University
No classification provided (evidence only). Condition: Acute myeloid leukemia. Review status: no classification provided. Collection method: in vitro. Allele origin: not applicable. Functional consequence: retained intron. Not counted in ClinVar's aggregate classification.

Dr. Peter K. Rogan Lab, Western University
No classification provided (evidence only). Condition: Acute myeloid leukemia. Review status: no classification provided. Collection method: in vitro. Allele origin: not applicable. Functional consequence: retained intron. Not counted in ClinVar's aggregate classification.

Dr. Peter K. Rogan Lab, Western University
No classification provided (evidence only). Condition: Colon adenocarcinoma. Review status: no classification provided. Collection method: in vitro. Allele origin: not applicable. Functional consequence: skipped exon. Not counted in ClinVar's aggregate classification.

Dr. Peter K. Rogan Lab, Western University
No classification provided (evidence only). Condition: Colon adenocarcinoma. Review status: no classification provided. Collection method: in vitro. Allele origin: not applicable. Functional consequence: skipped exon. Not counted in ClinVar's aggregate classification.

Dr. Peter K. Rogan Lab, Western University
No classification provided (evidence only). Condition: Colon adenocarcinoma. Review status: no classification provided. Collection method: in vitro. Allele origin: not applicable. Functional consequence: skipped exon. Not counted in ClinVar's aggregate classification.

Dr. Peter K. Rogan Lab, Western University
No classification provided (evidence only). Condition: Thyroid cancer, nonmedullary, 1. Review status: no classification provided. Collection method: in vitro. Allele origin: not applicable. Functional consequence: skipped exon. Not counted in ClinVar's aggregate classification.

Dr. Peter K. Rogan Lab, Western University
No classification provided (evidence only). Condition: Thyroid cancer, nonmedullary, 1. Review status: no classification provided. Collection method: in vitro. Allele origin: not applicable. Functional consequence: skipped exon. Not counted in ClinVar's aggregate classification.

Dr. Peter K. Rogan Lab, Western University
No classification provided (evidence only). Condition: Thyroid cancer, nonmedullary, 1. Review status: no classification provided. Collection method: in vitro. Allele origin: not applicable. Functional consequence: skipped exon. Not counted in ClinVar's aggregate classification.

Dr. Peter K. Rogan Lab, Western University
No classification provided (evidence only). Condition: Thyroid cancer, nonmedullary, 1. Review status: no classification provided. Collection method: in vitro. Allele origin: not applicable. Functional consequence: skipped exon. Not counted in ClinVar's aggregate classification.

Dr. Peter K. Rogan Lab, Western University
No classification provided (evidence only). Condition: Thyroid cancer, nonmedullary, 1. Review status: no classification provided. Collection method: in vitro. Allele origin: not applicable. Functional consequence: skipped exon. Not counted in ClinVar's aggregate classification.

Dr. Peter K. Rogan Lab, Western University
No classification provided (evidence only). Condition: Thyroid cancer, nonmedullary, 1. Review status: no classification provided. Collection method: in vitro. Allele origin: not applicable. Functional consequence: skipped exon. Not counted in ClinVar's aggregate classification.

Dr. Peter K. Rogan Lab, Western University
No classification provided (evidence only). Condition: Thyroid cancer, nonmedullary, 1. Review status: no classification provided. Collection method: in vitro. Allele origin: not applicable. Functional consequence: skipped exon. Not counted in ClinVar's aggregate classification.

Dr. Peter K. Rogan Lab, Western University
No classification provided (evidence only). Condition: Thyroid cancer, nonmedullary, 1. Review status: no classification provided. Collection method: in vitro. Allele origin: not applicable. Functional consequence: skipped exon, retained intron. Not counted in ClinVar's aggregate classification.

Dr. Peter K. Rogan Lab, Western University
No classification provided (evidence only). Condition: Thyroid cancer, nonmedullary, 1. Review status: no classification provided. Collection method: in vitro. Allele origin: not applicable. Functional consequence: skipped exon. Not counted in ClinVar's aggregate classification.

Dr. Peter K. Rogan Lab, Western University
No classification provided (evidence only). Condition: Thyroid cancer, nonmedullary, 1. Review status: no classification provided. Collection method: in vitro. Allele origin: not applicable. Functional consequence: skipped exon. Not counted in ClinVar's aggregate classification.

Dr. Peter K. Rogan Lab, Western University
No classification provided (evidence only). Condition: Uterine corpus endometrial carcinoma. Review status: no classification provided. Collection method: in vitro. Allele origin: not applicable. Functional consequence: skipped exon, retained intron. Not counted in ClinVar's aggregate classification.

Dr. Peter K. Rogan Lab, Western University
No classification provided (evidence only). Condition: Uterine corpus endometrial carcinoma. Review status: no classification provided. Collection method: in vitro. Allele origin: not applicable. Functional consequence: retained intron. Not counted in ClinVar's aggregate classification.

Dr. Peter K. Rogan Lab, Western University
No classification provided (evidence only). Condition: Cervical cancer. Review status: no classification provided. Collection method: in vitro. Allele origin: not applicable. Functional consequence: retained intron. Not counted in ClinVar's aggregate classification.

Dr. Peter K. Rogan Lab, Western University
No classification provided (evidence only). Condition: Cervical cancer. Review status: no classification provided. Collection method: in vitro. Allele origin: not applicable. Functional consequence: retained intron. Not counted in ClinVar's aggregate classification.

Dr. Peter K. Rogan Lab, Western University
No classification provided (evidence only). Condition: Cervical cancer. Review status: no classification provided. Collection method: in vitro. Allele origin: not applicable. Functional consequence: skipped exon, retained intron. Not counted in ClinVar's aggregate classification.

Dr. Peter K. Rogan Lab, Western University
No classification provided (evidence only). Condition: Cervical cancer. Review status: no classification provided. Collection method: in vitro. Allele origin: not applicable. Functional consequence: skipped exon, retained intron. Not counted in ClinVar's aggregate classification.

Dr. Peter K. Rogan Lab, Western University
No classification provided (evidence only). Condition: Cervical cancer. Review status: no classification provided. Collection method: in vitro. Allele origin: not applicable. Functional consequence: skipped exon. Not counted in ClinVar's aggregate classification.

Dr. Peter K. Rogan Lab, Western University
No classification provided (evidence only). Condition: Sarcoma. Review status: no classification provided. Collection method: in vitro. Allele origin: not applicable. Functional consequence: skipped exon. Not counted in ClinVar's aggregate classification.

NM_152347.5(EFCAB13):c.806-1G>A

Gene: EFCAB13 (EF-hand calcium binding domain 13; plus strand). Cytogenetic location: 17q21.32.
Variant type: single nucleotide variant.
Coding change: c.806-1G>A on transcript NM_152347.5 (MANE Select); the canonical splice acceptor site of the intron before coding-DNA position 806, G replaced by A.
Molecular consequence: splice acceptor variant.
Genome position (GRCh38, 1-based): chr17:47,370,436, G>A. VCF-style: chr17-47370436-G-A. GRCh37 (hg19) VCF-style: chr17-45447802-G-A.
Other names: NC_000017.10:g.45447802G>A; c.518-1G>A (NM_001195192.2).
Identifiers: ClinVar variation 3055475 (VCV003055475.3), dbSNP rs76299620, ClinGen allele CA8623801.
Genomic context (GRCh38, chr17:47,370,436, plus strand): 5'-AGGATGGCAGATATATCTATGTTCAAAAGTAAATACAGTATTTGAACTTATTCTATTACA[G>A]GTAACCACATGGTGGATATTGGGGATATTATATTTACTTTGAATGAGCTACAGGAACAGT-3'